The following is an entry in ClinVar:

NM_139343.3(BIN1):c.1620G>T (p.Gln540His)

Gene: BIN1 (bridging integrator 1; minus strand). Cytogenetic location: 2q14.3.
Variant type: single nucleotide variant.
Coding change: c.1620G>T on transcript NM_139343.3 (MANE Select); coding-DNA position 1620, G replaced by T.
Protein change: p.Gln540His; replaces glutamine 540 with histidine.
Molecular consequence: missense variant.
Genome position (GRCh38, 1-based): chr2:127,050,475, C>A on the plus strand (G>T on the coding strand, the complement: BIN1 is on the minus strand). VCF-style: chr2-127050475-C-A. GRCh37 (hg19) VCF-style: chr2-127808051-C-A.
Other names: c.1113G>T, p.Gln371His (NM_001320632.2); c.1251G>T, p.Gln417His (NM_001320633.2); c.996G>T, p.Gln332His (NM_001320634.1); c.1380G>T, p.Gln460His (NM_001320640.2); c.1527G>T, p.Gln509His (NM_001320641.2); c.1539G>T, p.Gln513His (NM_001320642.1); c.1203G>T, p.Gln401His (NM_004305.4); c.1491G>T, p.Gln497His (NM_139344.3); and 7 more; short protein forms Q332H, Q356H, Q371H, Q386H, Q401H, Q417H, Q422H, Q429H.
Identifiers: ClinVar variation 2439522 (VCV002439522.4), dbSNP rs561244491, ClinGen allele CA1856965.

ClinVar aggregate classification (germline): Uncertain significance. Review status: criteria provided, multiple submitters, no conflicts (2 of 4 stars). 2 submissions from 2 submitters: Uncertain significance (2). Last evaluated 2025-10-11.

Conditions:
Myopathy, centronuclear, 2 (CNM2). Also called: MYOTUBULAR MYOPATHY, AUTOSOMAL RECESSIVE. Identifiers: Orphanet 169186, MedGen CN031787, MONDO:0009709, OMIM 255200.

Allele frequency attached by ClinVar (database versions not stated): gnomAD exomes below 0.00001; ExAC 0.00002; 1000 Genomes Project 0.00040; 1000 Genomes Project 30x 0.00047.
gnomAD v4.1: 9 of 1,614,250 alleles (0.00056%); highest among the groups gnomAD compares: African/African-American, 0.012%; no homozygotes.

Submissions (2):

Labcorp Genetics (formerly Invitae), Labcorp
Classification: Uncertain significance for Myopathy, centronuclear, 2. Last evaluated: 2025-10-11. Review status: criteria provided, single submitter. Criteria: Invitae Variant Classification Sherloc (09022015). Collection method: clinical testing. Allele origin: germline.
Comment: This sequence change replaces glutamine, which is neutral and polar, with histidine, which is basic and polar, at codon 540 of the BIN1 protein (p.Gln540His). This variant is present in population databases (rs561244491, gnomAD 0.04%). This variant has not been reported in the literature in individuals affected with BIN1-related conditions. ClinVar contains an entry for this variant (Variation ID: 2439522). Invitae Evidence Modeling of protein sequence and biophysical properties (such as structural, functional, and spatial information, amino acid conservation, physicochemical variation, residue mobility, and thermodynamic stability) indicates that this missense variant is not expected to disrupt BIN1 protein function with a negative predictive value of 80%. In summary, the available evidence is currently insufficient to determine the role of this variant in disease. Therefore, it has been classified as a Variant of Uncertain Significance.

Revvity Omics, Revvity
Classification: Uncertain significance for Myopathy, centronuclear, 2. Last evaluated: 2019-08-30. Review status: criteria provided, single submitter. Criteria: ACMG Guidelines, 2015. Collection method: clinical testing. Allele origin: germline.